The following is an entry in ClinVar:

ClinVar aggregate classification (germline): Pathogenic. Review status: criteria provided, single submitter (1 of 4 stars). 3 submissions from 3 submitters: Pathogenic (1). 2 of the submissions do not count toward it. Last evaluated 2018-10-11.

Conditions:
Developmental and epileptic encephalopathy, 7 (DEE7). Also called: KCNQ2-Related Neonatal Epileptic Encephalopathy; KCNQ2-Related Neonatal-Onset Developmental and Epileptic Encephalopathy (NEO-DEE); Early infantile epileptic encephalopathy 7. Identifiers: Orphanet 439218, MedGen C3150986, MONDO:0013387, OMIM 613720.
Seizures, benign familial neonatal, 1. Also called: Benign Neonatal Epilepsy 1; KCNQ2-Related Benign Familial Neonatal Epilepsy; KCNQ2-Related Self-Limited Familial Neonatal Epilepsy (SLFNE); Seizures, benign neonatal, 1. Identifiers: Orphanet 1949, MedGen C3149074, MONDO:0007365, OMIM 121200.

Submissions (3):

GeneDx
Classification: Pathogenic. Last evaluated: 2018-10-11. Review status: criteria provided, single submitter. Criteria: GeneDx Variant Classification (06012015). Collection method: clinical testing. Allele origin: germline. Affected: yes.
Comment: The G290D pathogenic variant has been identified as a de novo change in multiple unrelated individuals with early onset epileptic encephalopathy (Weckhuysen et al., 2012; Milh et al., 2015). The G290D substitution alters a conserved position predicted to be within the pore forming loop between the S5 and S6 transmembrane segments, and published functional studies demonstrate a damaging effect (Orhan et al.,2014). The G290D variant is not observed in large population cohorts (Lek et al., 2016; 1000 Genomes Consortium et al., 2015; Exome Variant Server). This variant is a non-conservative amino acid substitution, which is likely to impact secondary protein structure as these residues differ in polarity, charge, size and/or other properties. Additionally, missense variants in the same (G290S) and in nearby residues (R291S, A294V/G) have been reported in the Human Gene Mutation Database in association with KCNQ2-related disorders (Stenson et al., 2014), supporting the functional importance of this region of the protein. Therefore, based on the currently available information, this variant is interpreted to be pathogenic, and its presence is consistent with the diagnosis in this patient.

OMIM
Classification: Pathogenic for DEVELOPMENTAL AND EPILEPTIC ENCEPHALOPATHY 7. Last evaluated: 2012-01-01. Review status: no assertion criteria provided. Collection method: literature only. Allele origin: germline. Not counted in ClinVar's aggregate classification.

GeneReviews
No classification provided. Condition: Seizures, benign familial neonatal, 1. Review status: no classification provided. Collection method: literature only. Allele origin: germline. Affected: yes. Not counted in ClinVar's aggregate classification.
Comment: BFNE (benign familial neonatal epilepsy)

Functional effect: Oocytes: Q2wt:Q2mut, ~70% reduced current; Q2wt:Q2mut:Q3, ~70% reduced current.

Literature cited by the submitters: PubMed 22275249 (cited by OMIM and GeneReviews); PubMed 24318194 (cited by GeneReviews); NCBI Bookshelf NBK32534 (cited by GeneReviews).

NM_172107.4(KCNQ2):c.869G>A (p.Gly290Asp)

Gene: KCNQ2 (potassium voltage-gated channel subfamily Q member 2; minus strand). Cytogenetic location: 20q13.33.
Variant type: single nucleotide variant.
Coding change: c.869G>A on transcript NM_172107.4 (MANE Select); coding-DNA position 869, G replaced by A.
Protein change: p.Gly290Asp; replaces glycine 290 with aspartic acid.
Molecular consequence: missense variant.
Genome position (GRCh38, 1-based): chr20:63,439,656, C>T on the plus strand (G>A on the coding strand, the complement: KCNQ2 is on the minus strand). VCF-style: chr20-63439656-C-T. GRCh37 (hg19) VCF-style: chr20-62071009-C-T.
Other names: c.869G>A, p.Gly290Asp (NM_004518.6, NM_172106.3, NM_172108.5 and 1 more transcripts); short protein forms G290D.
Identifiers: ClinVar variation 39762 (VCV000039762.4), dbSNP rs397514582, ClinGen allele CA130534.